The following is an entry in ClinVar:

ClinVar aggregate classification (germline): Conflicting classifications of pathogenicity. Review status: criteria provided, conflicting classifications (1 of 4 stars). 2 submissions from 2 submitters: Likely pathogenic (1); Uncertain significance (1). Last evaluated 2025-12-28.

Conditions:
Hereditary cancer-predisposing syndrome. Also called: Neoplastic Syndromes, Hereditary; Hereditary neoplastic syndrome; Tumor predisposition; Hereditary Cancer Syndrome. Identifiers: Orphanet 140162, MedGen C0027672, MeSH D009386, MONDO:0015356.
Hereditary pheochromocytoma and paraganglioma. Also called: Hereditary Paraganglioma-Pheochromocytoma Syndromes; Hereditary paragangliomas and pheochromocytomas; Hereditary pheochromocytoma-paraganglioma. Identifiers: Orphanet 29072, MedGen C4274332, MONDO:0017366.

Allele frequency attached by ClinVar (database versions not stated): gnomAD exomes below 0.00001.
gnomAD v4.1: 1 of 1,614,142 alleles (0.000062%); highest among the groups gnomAD compares: Non-Finnish European, 0.000085%; no homozygotes.

Submissions (2):

Labcorp Genetics (formerly Invitae), Labcorp
Classification: Uncertain significance for Hereditary pheochromocytoma and paraganglioma. Last evaluated: 2025-12-28. Review status: criteria provided, single submitter. Criteria: Invitae Variant Classification Sherloc (09022015). Collection method: clinical testing. Allele origin: germline.
Comment: This sequence change replaces glycine, which is neutral and non-polar, with arginine, which is basic and polar, at codon 185 of the TMEM127 protein (p.Gly185Arg). This variant is not present in population databases (gnomAD no frequency). This missense change has been observed in individual(s) with extraadrenal retroperitoneal and bilateral adrenal tumors (PMID: 21613359). ClinVar contains an entry for this variant (Variation ID: 463852). An algorithm developed to predict the effect of missense changes on protein structure and function (PolyPhen-2) suggests that this variant is likely to be disruptive. Experimental studies have shown that this missense change affects TMEM127 function (PMID: 32575117). In summary, the available evidence is currently insufficient to determine the role of this variant in disease. Therefore, it has been classified as a Variant of Uncertain Significance.

Ambry Genetics
Classification: Likely pathogenic for Hereditary cancer-predisposing syndrome. Last evaluated: 2025-04-11. Review status: criteria provided, single submitter. Criteria: Ambry Variant Classification Scheme 2023. Collection method: clinical testing. Allele origin: germline.
Comment: The c.553G>A (p.G185R) alteration is located in exon 4 (coding exon 3) of the TMEM127 gene. This alteration results from a G to A substitution at nucleotide position 553, causing the glycine (G) at amino acid position 185 to be replaced by an arginine (R). This variant was not reported in population-based cohorts in the Genome Aggregation Database (gnomAD). This variant has been observed in at least one individual with a personal and/or family history of pheochromocytoma (Ambry internal data). This variant has also been detected in a patient with bilateral adrenal pheochromocytomas and extra-adrenal retroperitoneal paraganglioma (Neumann, 2011). This amino acid position is highly conserved in available vertebrate species. This alteration is predicted to be deleterious by in silico analysis. Based on the available evidence, this alteration is classified as likely pathogenic.

Literature cited by the submitters: PubMed 21613359 (cited by Labcorp Genetics (formerly Invitae), Labcorp and Ambry Genetics); PubMed 32575117 (cited by Labcorp Genetics (formerly Invitae), Labcorp).

NM_017849.4(TMEM127):c.553G>A (p.Gly185Arg)

Gene: TMEM127 (transmembrane protein 127; minus strand). Cytogenetic location: 2q11.2.
Variant type: single nucleotide variant.
Coding change: c.553G>A on transcript NM_017849.4 (MANE Select); coding-DNA position 553, G replaced by A.
Protein change: p.Gly185Arg; replaces glycine 185 with arginine.
Molecular consequence: missense variant.
Genome position (GRCh38, 1-based): chr2:96,253,972, C>T on the plus strand (G>A on the coding strand, the complement: TMEM127 is on the minus strand). VCF-style: chr2-96253972-C-T. GRCh37 (hg19) VCF-style: chr2-96919710-C-T.
Other names: c.553G>A, p.Gly185Arg (NM_001193304.3); short protein forms G185R.
Identifiers: ClinVar variation 463852 (VCV000463852.11), dbSNP rs1553436865, ClinGen allele CA347652379.
Genomic context (GRCh38, chr2:96,253,972, plus strand): 5'-CCTCTTCCTCTGTGGGGTAGTGGCGCAGGAGGTTGGCTGCCGTGGCCAGGATTGAGGCTC[C>T]ACCAGCTCCTGCCACCAGGTAGAAGCTAACGGCGAAGGTGACATAGACCTGGGATCCATG-3'
Protein context (NP_060319.1, residues 175-195): VSFYLVAGAG[Gly185Arg]ASILATAANL